The following is an entry in ClinVar:

ClinVar aggregate classification (germline): Likely benign. Review status: criteria provided, multiple submitters, no conflicts (2 of 4 stars). 2 submissions from 2 submitters: Likely benign (2). Last evaluated 2025-12-03.

Conditions:
Hypertrophic cardiomyopathy. Also called: HYPERTROPHIC MYOCARDIOPATHY. Identifiers: Orphanet 217569, MedGen C0007194, MeSH D002312, MONDO:0005045, HP:0001639.

Submissions (2):

Labcorp Genetics (formerly Invitae), Labcorp
Classification: Likely benign for Hypertrophic cardiomyopathy. Last evaluated: 2025-12-03. Review status: criteria provided, single submitter. Criteria: Invitae Variant Classification Sherloc (09022015). Collection method: clinical testing. Allele origin: germline.

All of Us Research Program, National Institutes of Health
Classification: Likely benign for Hypertrophic cardiomyopathy. Last evaluated: 2023-06-08. Review status: criteria provided, single submitter. Criteria: ACMG Guidelines, 2015. Collection method: clinical testing. Allele origin: germline. Inheritance: Autosomal dominant inheritance. Observed: 1 variant allele, 1 heterozygote.
Comment: This study involves interpretation of variants in research participants for the purpose of population health screening. Participant phenotype was not available at the time of variant classification. Additional details can be found in publication PMID: 35346344, PMCID: PMC8962531

NM_000363.5(TNNI3):c.588T>C (p.Asp196=)

Gene: TNNI3 (troponin I3, cardiac type; minus strand). Cytogenetic location: 19q13.42.
Variant type: single nucleotide variant.
Coding change: c.588T>C on transcript NM_000363.5 (MANE Select); coding-DNA position 588, T replaced by C.
Protein change: p.Asp196=; no amino-acid change (aspartic acid 196 retained).
Molecular consequence: synonymous variant.
Genome position (GRCh38, 1-based): chr19:55,151,879, A>G on the plus strand (T>C on the coding strand, the complement: TNNI3 is on the minus strand). VCF-style: chr19-55151879-A-G. GRCh37 (hg19) VCF-style: chr19-55663247-A-G.
Identifiers: ClinVar variation 3071624 (VCV003071624.2), dbSNP rs2515495781, ClinGen allele CA508989345.
Genomic context (GRCh38, chr19:55,151,879, plus strand): 5'-AGTAGGCAGGAAGGCTCAGCTCTCAAACTTTTTCTTGCGGCCCTCCATTCCACTCAGTGC[A>G]TCGATGTTCTTGCGCCAGTCTCCCACCTCCCGGTTTTCCTGGAGGATGGCGATGAGTCAG-3'
Protein context (NP_000354.4, residues 186-206): REVGDWRKNI[Asp196=]ALSGMEGRKK